The following is an entry in ClinVar:

NM_024753.5(TTC21B):c.176A>C (p.Glu59Ala)

Gene: TTC21B (tetratricopeptide repeat domain 21B; minus strand). Cytogenetic location: 2q24.3.
Variant type: single nucleotide variant.
Coding change: c.176A>C on transcript NM_024753.5 (MANE Select); coding-DNA position 176, A replaced by C.
Protein change: p.Glu59Ala; replaces glutamic acid 59 with alanine.
Molecular consequence: missense variant.
Genome position (GRCh38, 1-based): chr2:165,949,480, T>G on the plus strand (A>C on the coding strand, the complement: TTC21B is on the minus strand). VCF-style: chr2-165949480-T-G. GRCh37 (hg19) VCF-style: chr2-166805990-T-G.
Other names: short protein forms E59A.
Identifiers: ClinVar variation 999934 (VCV000999934.10), dbSNP rs769276420, ClinGen allele CA59769165.

ClinVar aggregate classification (germline): Uncertain significance. Review status: criteria provided, multiple submitters, no conflicts (2 of 4 stars). 3 submissions from 3 submitters: Uncertain significance (3). Last evaluated 2024-04-24.

Conditions:
Nephronophthisis. Also called: Juvenile Nephronophthisis. Identifiers: Orphanet 655, MedGen C0687120, MONDO:0019005, HP:0000090.
Jeune thoracic dystrophy. Also called: Short-rib thoracic dysplasia; Jeune syndrome; Infantile thoracic dystrophy; Thoracic pelvic phalangeal dystrophy; Jeune's syndrome; Chondroectodermal dysplasia-like syndrome. Identifiers: Orphanet 474, MedGen C0265275, MONDO:0018770.
Nephronophthisis 12 (NPHP12). Identifiers: Orphanet 655, MedGen C3151186, MONDO:0013442, OMIM 613820.
Asphyxiating thoracic dystrophy 4 (SRTD4). Also called: SHORT-RIB THORACIC DYSPLASIA 4 WITH OR WITHOUT POLYDACTYLY; SHORT-RIB THORACIC DYSPLASIA 4. Identifiers: Orphanet 474, MedGen C3151185, MONDO:0013441, OMIM 613819.

Allele frequency attached by ClinVar (database versions not stated): gnomAD exomes below 0.00001; gnomAD 0.00002; TOPMed 0.00002.
gnomAD v4.1: 30 of 1,613,720 alleles (0.0019%); highest among the groups gnomAD compares: Non-Finnish European, 0.0025%; no homozygotes.

Submissions (3):

Blueprint Genetics
Classification: Uncertain significance. Last evaluated: 2024-04-24. Review status: criteria provided, single submitter. Criteria: ACMG Guidelines, 2015. Collection method: clinical testing. Allele origin: germline.

Fulgent Genetics
Classification: Uncertain significance for Asphyxiating thoracic dystrophy 4; Nephronophthisis 12. Last evaluated: 2021-10-19. Review status: criteria provided, single submitter. Criteria: ACMG Guidelines, 2015. Collection method: clinical testing. Allele origin: unknown.

Labcorp Genetics (formerly Invitae), Labcorp
Classification: Uncertain significance for Jeune thoracic dystrophy; Nephronophthisis. Last evaluated: 2020-10-21. Review status: criteria provided, single submitter. Criteria: Invitae Variant Classification Sherloc (09022015). Collection method: clinical testing. Allele origin: germline.
Comment: This sequence change replaces glutamic acid with alanine at codon 59 of the TTC21B protein (p.Glu59Ala). The glutamic acid residue is moderately conserved and there is a moderate physicochemical difference between glutamic acid and alanine. This variant is not present in population databases (ExAC no frequency). This variant has not been reported in the literature in individuals with TTC21B-related conditions. Algorithms developed to predict the effect of missense changes on protein structure and function are either unavailable or do not agree on the potential impact of this missense change (SIFT: "Tolerated"; PolyPhen-2: "Possibly Damaging"; Align-GVGD: "Class C0"). In summary, the available evidence is currently insufficient to determine the role of this variant in disease. Therefore, it has been classified as a Variant of Uncertain Significance.